The following is an entry in ClinVar:

ClinVar aggregate classification (germline): Uncertain significance (1 of 4 stars; one submission).

Submission:

Labcorp Genetics (formerly Invitae), Labcorp
Classification: Uncertain significance. Last evaluated: 2025-04-11. Review status: criteria provided, single submitter. Criteria: Invitae Variant Classification Sherloc (09022015). Collection method: clinical testing. Allele origin: germline.
Comment: This variant, c.323_325dup, results in the insertion of 1 amino acid(s) of the CD81 protein (p.Ala108dup), but otherwise preserves the integrity of the reading frame. This variant is not present in population databases (gnomAD no frequency). This variant has not been reported in the literature in individuals affected with CD81-related conditions. In summary, the available evidence is currently insufficient to determine the role of this variant in disease. Therefore, it has been classified as a Variant of Uncertain Significance.

NM_004356.4(CD81):c.320CCG[3] (p.Ala108_Gly109insAla)

Gene: CD81 (CD81 molecule; plus strand). Cytogenetic location: 11p15.5.
Variant type: Microsatellite.
Coding change: c.320CCG[3] on transcript NM_004356.4 (MANE Select); three copies in a row of the 3-base unit CCG starting at c.320; the reference has two copies in a row; one copy, 3 bases duplicated.
Protein change: p.Ala108_Gly109insAla.
Molecular consequence: inframe insertion.
Genome position (GRCh38, 1-based): chr11:2,395,015-2,395,017, CCG duplicated; duplicating any 3 consecutive bases within chr11:2,395,011-2,395,017 gives the same sequence; the position shown is the placement nearest the transcript's 3' end. VCF-style (leftmost placement, unchanged base first): chr11-2395010-G-GGCC. GRCh37 (hg19) VCF-style: chr11-2416240-G-GGCC.
Other names: c.107CCG[3], p.Ala37_Gly38insAla (NM_001297649.2, NM_001425129.1, NM_001425130.1 and 4 more transcripts); c.443CCG[3], p.Ala149_Gly150insAla (NM_001425135.1); c.320CCG[3], p.Ala108_Gly109insAla (NM_001425137.1).
Identifiers: ClinVar variation 4716437 (VCV004716437.1).